The following is an entry in ClinVar:

ClinVar aggregate classification (germline): Uncertain significance. Review status: criteria provided, multiple submitters, no conflicts (2 of 4 stars). 2 submissions from 2 submitters: Uncertain significance (2). Last evaluated 2024-02-05.

Allele frequency attached by ClinVar (database versions not stated): gnomAD 0.00001; TOPMed 0.00001.
gnomAD v4.1: 10 of 1,613,814 alleles (0.00062%); highest among the groups gnomAD compares: Non-Finnish European, 0.00068%; no homozygotes.

Submissions (2):

Ambry Genetics
Classification: Uncertain significance. Last evaluated: 2024-02-05. Review status: criteria provided, single submitter. Criteria: Ambry Variant Classification Scheme 2023. Collection method: clinical testing. Allele origin: germline.

Labcorp Genetics (formerly Invitae), Labcorp
Classification: Uncertain significance. Last evaluated: 2023-02-03. Review status: criteria provided, single submitter. Criteria: Invitae Variant Classification Sherloc (09022015). Collection method: clinical testing. Allele origin: germline.
Comment: In summary, the available evidence is currently insufficient to determine the role of this variant in disease. Therefore, it has been classified as a Variant of Uncertain Significance. Advanced modeling of protein sequence and biophysical properties (such as structural, functional, and spatial information, amino acid conservation, physicochemical variation, residue mobility, and thermodynamic stability) performed at Invitae indicates that this missense variant is not expected to disrupt SPTA1 protein function. This variant has not been reported in the literature in individuals affected with SPTA1-related conditions. This variant is not present in population databases (gnomAD no frequency). This sequence change replaces glycine, which is neutral and non-polar, with arginine, which is basic and polar, at codon 212 of the SPTA1 protein (p.Gly212Arg).

NM_003126.4(SPTA1):c.634G>A (p.Gly212Arg)

Gene: SPTA1 (spectrin alpha, erythrocytic 1; minus strand). Cytogenetic location: 1q23.1.
Variant type: single nucleotide variant.
Coding change: c.634G>A on transcript NM_003126.4 (MANE Select); coding-DNA position 634, G replaced by A.
Protein change: p.Gly212Arg; replaces glycine 212 with arginine.
Molecular consequence: missense variant.
Genome position (GRCh38, 1-based): chr1:158,680,627, C>T on the plus strand (G>A on the coding strand, the complement: SPTA1 is on the minus strand). VCF-style: chr1-158680627-C-T. GRCh37 (hg19) VCF-style: chr1-158650417-C-T.
Other names: c.634G>A (NM_003126.2); short protein forms G212R.
Identifiers: ClinVar variation 2992013 (VCV002992013.4), dbSNP rs947382182, ClinGen allele CA31270320.